The following is an entry in ClinVar:

ClinVar aggregate classification (germline): Benign. Review status: criteria provided, multiple submitters, no conflicts (2 of 4 stars). 3 submissions from 3 submitters: Benign (3). Last evaluated 2021-07-10.

Conditions:
Autosomal recessive Alport syndrome (ATS2). Also called: COL4A3-Related Nephropathy; Alport syndrome type 2; COL4A4 Alport Syndrome and Thin Basement Membrane Nephropathy; ALPORT SYNDROME 2, AUTOSOMAL RECESSIVE. Identifiers: Orphanet 63, Orphanet 88919, MedGen C4746745, MONDO:0008762, OMIM 203780.

Allele frequency attached by ClinVar (database versions not stated): 1000 Genomes Project 0.14397; 1000 Genomes Project 30x 0.14647; TOPMed 0.16194; gnomAD 0.17227 and 0.17434.
gnomAD v4.1: 110,613 of 882,794 alleles (13%); highest among the groups gnomAD compares: African/African-American, 29%; 8,008 homozygotes.

Submissions (3):

Genome-Nilou Lab
Classification: Benign for Autosomal recessive Alport syndrome. Last evaluated: 2021-07-10. Review status: criteria provided, single submitter. Criteria: ACMG Guidelines, 2015. Collection method: clinical testing. Allele origin: germline. Affected: no.

GeneDx
Classification: Benign. Last evaluated: 2018-06-14. Review status: criteria provided, single submitter. Criteria: GeneDx Variant Classification (06012015). Collection method: clinical testing. Allele origin: germline. Affected: yes.
Comment: This variant is considered likely benign or benign based on one or more of the following criteria: it is a conservative change, it occurs at a poorly conserved position in the protein, it is predicted to be benign by multiple in silico algorithms, and/or has population frequency not consistent with disease.

Breakthrough Genomics
Classification: Benign. Review status: criteria provided, single submitter. Criteria: ACMG Guidelines, 2015. Collection method: not provided. Allele origin: germline. Inheritance: Autosomal recessive inheritance. Affected: yes.

NM_000092.5(COL4A4):c.2164+78G>A

Gene: COL4A4 (collagen type IV alpha 4 chain; minus strand). Cytogenetic location: 2q36.3.
Variant type: single nucleotide variant.
Coding change: c.2164+78G>A on transcript NM_000092.5 (MANE Select); 78 bases into the intron after coding-DNA position 2164, G replaced by A.
Molecular consequence: intron variant.
Genome position (GRCh38, 1-based): chr2:227,060,058, C>T on the plus strand (G>A on the coding strand, the complement: COL4A4 is on the minus strand). VCF-style: chr2-227060058-C-T. GRCh37 (hg19) VCF-style: chr2-227924774-C-T.
Identifiers: ClinVar variation 683328 (VCV000683328.5), dbSNP rs11898094, ClinGen allele CA66588285.